The following is an entry in ClinVar:

NM_000218.3(KCNQ1):c.1394-28624A>G

Genes: KCNQ1 (potassium voltage-gated channel subfamily Q member 1; plus strand), KCNQ1OT1 (KCNQ1 opposite strand/antisense transcript 1; minus strand). Cytogenetic location: 11p15.5.
Variant type: single nucleotide variant.
Coding change: c.1394-28624A>G on transcript NM_000218.3 (MANE Select); 28624 bases into the intron before coding-DNA position 1394, A replaced by G.
Molecular consequence: intron variant. On other transcripts: non-coding transcript variant (1).
Genome position (GRCh38, 1-based): chr11:2,633,337, A>G. VCF-style: chr11-2633337-A-G. GRCh37 (hg19) VCF-style: chr11-2654567-A-G.
Other names: c.1124-28624A>G (NM_001406837.1); c.1298-28624A>G (NM_001406836.1); c.854-28624A>G (NM_001406838.1); c.1013-28624A>G (NM_181798.2).
Identifiers: ClinVar variation 3771748 (VCV003771748.13).

ClinVar aggregate classification (germline): Benign (1 of 4 stars; one submission).

gnomAD v4.1: 316 of 398,338 alleles (0.079%); highest among the groups gnomAD compares: Non-Finnish European, 0.12%; no homozygotes.

Submission:

CeGaT Center for Human Genetics Tuebingen
Classification: Benign. Last evaluated: 2025-12-01. Review status: criteria provided, single submitter. Criteria: CeGaT Center For Human Genetics Tuebingen Variant Classification Criteria Version 2. Collection method: clinical testing. Allele origin: germline. Affected: yes. Observed: 3 variant alleles.
Comment: KCNQ1OT1: BS1, BS2